The following is an entry in ClinVar:

NM_001042472.3(ABHD12):c.935T>G (p.Phe312Cys)

Gene: ABHD12 (abhydrolase domain containing 12, lysophospholipase; minus strand). Cytogenetic location: 20p11.21.
Variant type: single nucleotide variant.
Coding change: c.935T>G on transcript NM_001042472.3 (MANE Select); coding-DNA position 935, T replaced by G.
Protein change: p.Phe312Cys; replaces phenylalanine 312 with cysteine.
Molecular consequence: missense variant.
Genome position (GRCh38, 1-based): chr20:25,306,848, A>C on the plus strand (T>G on the coding strand, the complement: ABHD12 is on the minus strand). VCF-style: chr20-25306848-A-C. GRCh37 (hg19) VCF-style: chr20-25287484-A-C.
Other names: c.935T>G, p.Phe312Cys (NM_015600.5); short protein forms F312C.
Identifiers: ClinVar variation 100864 (VCV000100864.2), dbSNP rs483352741, ClinGen allele CA229154.

ClinVar aggregate classification (germline): Uncertain significance. Review status: no assertion criteria provided (0 of 4 stars). 2 submissions from 1 submitter: Uncertain significance (1). 1 of the submissions does not count toward it.

Submissions (2):

Richard Lifton Laboratory, Yale University School of Medicine
Classification: Uncertain significance. Review status: no assertion criteria provided. Collection method: not provided. Allele origin: somatic.
Comment: ABHD12:p.F312C
ClinVar note: Converted during submission from unknown to Uncertain significance.

Richard Lifton Laboratory, Yale University School of Medicine
Classification: Uncertain significance. Review status: flagged submission. Collection method: not provided. Allele origin: somatic. Not counted in ClinVar's aggregate classification.
ClinVar note: Converted during submission from unknown to Uncertain significance.
ClinVar note: Reason: This record appears to be redundant with a more recent record from the same submitter.
ClinVar note: Notes: SCV000120089 appears to be redundant with SCV000155193.